The following is an entry in ClinVar:

ClinVar aggregate classification (germline): Uncertain significance. Review status: criteria provided, multiple submitters, no conflicts (2 of 4 stars). 2 submissions from 2 submitters: Uncertain significance (2). Last evaluated 2024-10-09.

Allele frequency attached by ClinVar (database versions not stated): gnomAD exomes below 0.00001; ExAC 0.00002; gnomAD 0.00003; 1000 Genomes Project 0.00040; 1000 Genomes Project 30x 0.00062.
gnomAD v4.1: 9 of 1,614,166 alleles (0.00056%); highest among the groups gnomAD compares: Admixed American, 0.015%; no homozygotes.

Submissions (2):

GeneDx
Classification: Uncertain significance. Last evaluated: 2024-10-09. Review status: criteria provided, single submitter. Criteria: GeneDx Variant Classification Process June 2021. Collection method: clinical testing. Allele origin: germline. Affected: yes.
Comment: In silico analysis indicates that this missense variant does not alter protein structure/function; Has not been previously published as pathogenic or benign to our knowledge

Labcorp Genetics (formerly Invitae), Labcorp
Classification: Uncertain significance. Last evaluated: 2022-10-25. Review status: criteria provided, single submitter. Criteria: Invitae Variant Classification Sherloc (09022015). Collection method: clinical testing. Allele origin: germline.
Comment: This sequence change replaces asparagine, which is neutral and polar, with aspartic acid, which is acidic and polar, at codon 1565 of the USH2A protein (p.Asn1565Asp). This variant is present in population databases (rs185194181, gnomAD 0.009%). This variant has not been reported in the literature in individuals affected with USH2A-related conditions. Advanced modeling of protein sequence and biophysical properties (such as structural, functional, and spatial information, amino acid conservation, physicochemical variation, residue mobility, and thermodynamic stability) performed at Invitae indicates that this missense variant is not expected to disrupt USH2A protein function. In summary, the available evidence is currently insufficient to determine the role of this variant in disease. Therefore, it has been classified as a Variant of Uncertain Significance.

NM_206933.4(USH2A):c.4693A>G (p.Asn1565Asp)

Gene: USH2A (usherin; minus strand). Cytogenetic location: 1q41.
Variant type: single nucleotide variant.
Coding change: c.4693A>G on transcript NM_206933.4 (MANE Select); coding-DNA position 4693, A replaced by G.
Protein change: p.Asn1565Asp; replaces asparagine 1565 with aspartic acid.
Molecular consequence: missense variant.
Genome position (GRCh38, 1-based): chr1:216,097,148, T>C on the plus strand (A>G on the coding strand, the complement: USH2A is on the minus strand). VCF-style: chr1-216097148-T-C. GRCh37 (hg19) VCF-style: chr1-216270490-T-C.
Other names: c.4693A>G (NM_206933.2); short protein forms N1565D.
Identifiers: ClinVar variation 2154581 (VCV002154581.2), dbSNP rs185194181, ClinGen allele CA1395649.